The following is an entry in ClinVar:

ClinVar aggregate classification (germline): Uncertain significance (1 of 4 stars; one submission).

Allele frequency attached by ClinVar (database versions not stated): gnomAD exomes below 0.00001.
gnomAD v4.1: 7 of 1,614,134 alleles (0.00043%); highest among the groups gnomAD compares: Admixed American, 0.0017%; no homozygotes.

Submission:

Labcorp Genetics (formerly Invitae), Labcorp
Classification: Uncertain significance. Last evaluated: 2022-06-15. Review status: criteria provided, single submitter. Criteria: Invitae Variant Classification Sherloc (09022015). Collection method: clinical testing. Allele origin: germline.
Comment: In summary, the available evidence is currently insufficient to determine the role of this variant in disease. Therefore, it has been classified as a Variant of Uncertain Significance. Experimental studies and prediction algorithms are not available or were not evaluated, and the functional significance of this variant is currently unknown. This missense change has been observed in individual(s) with NDUFA6-related conditions (PMID: 20818383). This variant is present in population databases (rs549804720, gnomAD 0.003%). This sequence change replaces serine, which is neutral and polar, with asparagine, which is neutral and polar, at codon 30 of the NDUFA6 protein (p.Ser30Asn).

Literature cited by the submitters: PubMed 20818383.

NM_002490.6(NDUFA6):c.11G>A (p.Ser4Asn)

Gene: NDUFA6 (NADH:ubiquinone oxidoreductase subunit A6; minus strand). Cytogenetic location: 22q13.2.
Variant type: single nucleotide variant.
Coding change: c.11G>A on transcript NM_002490.6 (MANE Select); coding-DNA position 11, G replaced by A.
Protein change: p.Ser4Asn; replaces serine 4 with asparagine.
Molecular consequence: missense variant.
Genome position (GRCh38, 1-based): chr22:42,090,734, C>T on the plus strand (G>A on the coding strand, the complement: NDUFA6 is on the minus strand). VCF-style: chr22-42090734-C-T. GRCh37 (hg19) VCF-style: chr22-42486738-C-T.
Other names: short protein forms S4N.
Identifiers: ClinVar variation 2138452 (VCV002138452.3), dbSNP rs549804720, ClinGen allele CA324675195.
Genomic context (GRCh38, chr22:42,090,734, plus strand): 5'-TCCCGACTGAAAATGGGCTTCACGAAGGTGCTGGCGGTAGAAGTAGCTTGGCGGACGCCG[C>T]TCCCCGCCATCTTGCCAAAGCATCCACTCCACAACCCCACCCCTTTGCAAGCAGCGCGTG-3'
Protein context (NP_002481.3, residues 1-14): MAG[Ser4Asn]GVRQATSTAS